The following is an entry in ClinVar:

NM_000236.3(LIPC):c.985C>T (p.Arg329Cys)

Gene: LIPC (lipase C, hepatic type; plus strand). Cytogenetic location: 15q21.3.
Variant type: single nucleotide variant.
Coding change: c.985C>T on transcript NM_000236.3 (MANE Select); coding-DNA position 985, C replaced by T.
Protein change: p.Arg329Cys; replaces arginine 329 with cysteine.
Molecular consequence: missense variant.
Genome position (GRCh38, 1-based): chr15:58,548,506, C>T. VCF-style: chr15-58548506-C-T. GRCh37 (hg19) VCF-style: chr15-58840705-C-T.
Other names: short protein forms R329C.
Identifiers: ClinVar variation 1523676 (VCV001523676.8), dbSNP rs369706830, ClinGen allele CA7585064.

ClinVar aggregate classification (germline): Uncertain significance (1 of 4 stars; one submission).

Allele frequency attached by ClinVar (database versions not stated): TOPMed 0.00002; gnomAD 0.00003 and 0.00004; gnomAD exomes 0.00003 and 0.00004; ExAC 0.00004; ESP Exome Variant Server 0.00008.
gnomAD v4.1: 42 of 1,603,762 alleles (0.0026%); highest among the groups gnomAD compares: Admixed American, 0.016%; no homozygotes.

Submission:

Labcorp Genetics (formerly Invitae), Labcorp
Classification: Uncertain significance. Last evaluated: 2025-02-16. Review status: criteria provided, single submitter. Criteria: Invitae Variant Classification Sherloc (09022015). Collection method: clinical testing. Allele origin: germline.
Comment: This sequence change replaces arginine, which is basic and polar, with cysteine, which is neutral and slightly polar, at codon 329 of the LIPC protein (p.Arg329Cys). This variant is present in population databases (rs369706830, gnomAD 0.01%). This variant has not been reported in the literature in individuals affected with LIPC-related conditions. ClinVar contains an entry for this variant (Variation ID: 1523676). Invitae Evidence Modeling of protein sequence and biophysical properties (such as structural, functional, and spatial information, amino acid conservation, physicochemical variation, residue mobility, and thermodynamic stability) indicates that this missense variant is expected to disrupt LIPC protein function with a positive predictive value of 80%. In summary, the available evidence is currently insufficient to determine the role of this variant in disease. Therefore, it has been classified as a Variant of Uncertain Significance.